The following is an entry in ClinVar:

ClinVar aggregate classification (germline): Uncertain significance. Review status: criteria provided, multiple submitters, no conflicts (2 of 4 stars). 2 submissions from 2 submitters: Uncertain significance (2). Last evaluated 2024-05-01.

Conditions:
Tuberous sclerosis 2 (TSC2). Identifiers: Orphanet 805, MedGen C1860707, MONDO:0013199, OMIM 613254.

Allele frequency attached by ClinVar (database versions not stated): gnomAD exomes below 0.00001.
gnomAD v4.1: 1 of 1,612,986 alleles (0.000062%); highest among the groups gnomAD compares: Non-Finnish European, 0.000085%; no homozygotes.

Submissions (2):

CeGaT Center for Human Genetics Tuebingen
Classification: Uncertain significance. Last evaluated: 2024-05-01. Review status: criteria provided, single submitter. Criteria: CeGaT Center For Human Genetics Tuebingen Variant Classification Criteria Version 2. Collection method: clinical testing. Allele origin: germline. Affected: yes. Observed: 1 variant allele.
Comment: TSC2: PM2, PP3

Labcorp Genetics (formerly Invitae), Labcorp
Classification: Uncertain significance for Tuberous sclerosis 2. Last evaluated: 2023-10-11. Review status: criteria provided, single submitter. Criteria: Invitae Variant Classification Sherloc (09022015). Collection method: clinical testing. Allele origin: germline.
Comment: This sequence change replaces leucine, which is neutral and non-polar, with proline, which is neutral and non-polar, at codon 1052 of the TSC2 protein (p.Leu1052Pro). This variant is not present in population databases (gnomAD no frequency). This variant has not been reported in the literature in individuals affected with TSC2-related conditions. ClinVar contains an entry for this variant (Variation ID: 238013). Advanced modeling of protein sequence and biophysical properties (such as structural, functional, and spatial information, amino acid conservation, physicochemical variation, residue mobility, and thermodynamic stability) has been performed at Invitae for this missense variant, however the output from this modeling did not meet the statistical confidence thresholds required to predict the impact of this variant on TSC2 protein function. In summary, the available evidence is currently insufficient to determine the role of this variant in disease. Therefore, it has been classified as a Variant of Uncertain Significance.

NM_000548.5(TSC2):c.3155T>C (p.Leu1052Pro)

Gene: TSC2 (TSC complex subunit 2; plus strand). Cytogenetic location: 16p13.3.
Variant type: single nucleotide variant.
Coding change: c.3155T>C on transcript NM_000548.5 (MANE Select); coding-DNA position 3155, T replaced by C.
Protein change: p.Leu1052Pro; replaces leucine 1052 with proline.
Molecular consequence: missense variant.
Genome position (GRCh38, 1-based): chr16:2,079,299, T>C. VCF-style: chr16-2079299-T-C. GRCh37 (hg19) VCF-style: chr16-2129300-T-C.
Other names: c.3023T>C, p.Leu1008Pro (NM_001077183.3, NM_001370404.1); c.3155T>C, p.Leu1052Pro (NM_001114382.3); c.2915T>C, p.Leu972Pro (NM_001318827.2); c.2879T>C, p.Leu960Pro (NM_001318829.2); c.2423T>C, p.Leu808Pro (NM_001318831.2); c.3056T>C, p.Leu1019Pro (NM_001318832.2); c.3026T>C, p.Leu1009Pro (NM_001363528.2, NM_001370405.1, NM_021055.3); short protein forms L1052P, L1019P, L1008P, L960P, L972P, L1009P, L808P.
Identifiers: ClinVar variation 238013 (VCV000238013.25), dbSNP rs878854091, ClinGen allele CA10583318.